The following is an entry in ClinVar:

ClinVar aggregate classification (germline): Pathogenic (1 of 4 stars; one submission).

Conditions:
Hereditary hemochromatosis (HFE). Identifiers: MedGen C0392514, MONDO:0006507. Disease mechanism: loss of function.

Submission:

Labcorp Genetics (formerly Invitae), Labcorp
Classification: Pathogenic for Hereditary hemochromatosis. Last evaluated: 2023-09-15. Review status: criteria provided, single submitter. Criteria: Invitae Variant Classification Sherloc (09022015). Collection method: clinical testing. Allele origin: germline.
Comment: For these reasons, this variant has been classified as Pathogenic. This variant has not been reported in the literature in individuals affected with TFR2-related conditions. This variant is not present in population databases (gnomAD no frequency). This sequence change creates a premature translational stop signal (p.Val277Glyfs*166) in the TFR2 gene. It is expected to result in an absent or disrupted protein product. Loss-of-function variants in TFR2 are known to be pathogenic (PMID: 23600741, 26029709).

Literature cited by the submitters: PubMed 23600741; PubMed 26029709.

NM_003227.4(TFR2):c.829dup (p.Val277fs)

Gene: TFR2 (transferrin receptor 2; minus strand). Cytogenetic location: 7q22.1.
Variant type: Duplication.
Coding change: c.829dup on transcript NM_003227.4 (MANE Select); coding-DNA position 829, one base duplicated (G; older notation c.829dupG).
Protein change: p.Val277fs; shifts the reading frame from valine 277.
Molecular consequence: frameshift variant.
Genome position (GRCh38, 1-based): chr7:100,633,021, C duplicated on the plus strand (G on the coding strand, the reverse complement: TFR2 is on the minus strand); the first of 5 consecutive C bases (chr7:100,633,021-100,633,025); duplicating any one gives the same sequence. VCF-style (leftmost placement, unchanged base first): chr7-100633020-A-AC. GRCh37 (hg19) VCF-style: chr7-100230643-A-AC.
Other names: c.316dup, p.Val106fs (NM_001206855.3); short protein forms V277fs, V106fs.
Identifiers: ClinVar variation 2760944 (VCV002760944.3), dbSNP rs2486131876, ClinGen allele CA2697557466.